The following is an entry in ClinVar:

ClinVar aggregate classification (germline): Uncertain significance. Review status: criteria provided, multiple submitters, no conflicts (2 of 4 stars). 4 submissions from 3 submitters: Uncertain significance (4). Last evaluated 2022-09-13.

Conditions:
Familial thoracic aortic aneurysm and aortic dissection (TAAD). Also called: Thoracic aortic aneurysms and dissections. Identifiers: Orphanet 91387, MedGen C4707243, MONDO:0019625.
Adams-Oliver syndrome 5 (AOS5). Identifiers: Orphanet 974, MedGen C4014970, MONDO:0014459, OMIM 616028.
Aortic valve disease 1 (AOVD1). Identifiers: MedGen C3887892, MONDO:0024523, OMIM 109730.

Allele frequency attached by ClinVar (database versions not stated): TOPMed below 0.00001.

Submissions (4):

Labcorp Genetics (formerly Invitae), Labcorp
Classification: Uncertain significance for Adams-Oliver syndrome 5. Last evaluated: 2022-09-13. Review status: criteria provided, single submitter. Criteria: Invitae Variant Classification Sherloc (09022015). Collection method: clinical testing. Allele origin: germline.
Comment: Advanced modeling of protein sequence and biophysical properties (such as structural, functional, and spatial information, amino acid conservation, physicochemical variation, residue mobility, and thermodynamic stability) performed at Invitae indicates that this missense variant is not expected to disrupt NOTCH1 protein function. In summary, the available evidence is currently insufficient to determine the role of this variant in disease. Therefore, it has been classified as a Variant of Uncertain Significance. ClinVar contains an entry for this variant (Variation ID: 520099). This variant has not been reported in the literature in individuals affected with NOTCH1-related conditions. This variant is not present in population databases (gnomAD no frequency). This sequence change replaces threonine, which is neutral and polar, with isoleucine, which is neutral and non-polar, at codon 2284 of the NOTCH1 protein (p.Thr2284Ile).

Genome-Nilou Lab
Classification: Uncertain significance for Adams-Oliver syndrome 5. Last evaluated: 2022-03-15. Review status: criteria provided, single submitter. Criteria: ACMG Guidelines, 2015. Collection method: clinical testing. Allele origin: germline. Affected: no.

Genome-Nilou Lab
Classification: Uncertain significance for Aortic valve disease 1. Last evaluated: 2022-03-15. Review status: criteria provided, single submitter. Criteria: ACMG Guidelines, 2015. Collection method: clinical testing. Allele origin: germline. Affected: no.

Ambry Genetics
Classification: Uncertain significance for Familial thoracic aortic aneurysm and aortic dissection. Last evaluated: 2017-12-12. Review status: criteria provided, single submitter. Criteria: Ambry Variant Classification Scheme 2023. Collection method: clinical testing. Allele origin: germline.
Comment: The p.T2284I variant (also known as c.6851C>T), located in coding exon 34 of the NOTCH1 gene, results from a C to T substitution at nucleotide position 6851. The threonine at codon 2284 is replaced by isoleucine, an amino acid with similar properties. This amino acid position is not well conserved in available vertebrate species. In addition, this alteration is predicted to be tolerated by in silico analysis. Since supporting evidence is limited at this time, the clinical significance of this alteration remains unclear.

NM_017617.5(NOTCH1):c.6851C>T (p.Thr2284Ile)

Gene: NOTCH1 (notch receptor 1; minus strand). Cytogenetic location: 9q34.3.
Variant type: single nucleotide variant.
Coding change: c.6851C>T on transcript NM_017617.5 (MANE Select); coding-DNA position 6851, C replaced by T.
Protein change: p.Thr2284Ile; replaces threonine 2284 with isoleucine.
Molecular consequence: missense variant.
Genome position (GRCh38, 1-based): chr9:136,496,888, G>A on the plus strand (C>T on the coding strand, the complement: NOTCH1 is on the minus strand). VCF-style: chr9-136496888-G-A. GRCh37 (hg19) VCF-style: chr9-139391340-G-A.
Other names: c.6851C>T, p.Thr2284Ile (LRG_1122t1); short protein forms T2284I.
Identifiers: ClinVar variation 520099 (VCV000520099.16), dbSNP rs1341934554, ClinGen allele CA375630087.
Genomic context (GRCh38, chr9:136,496,888, plus strand): 5'-AAACTGGTGGACCCGCCCACAGTGAAATTCAGGGCCCCTCCGCTGCTGGAGCCCAGGACG[G>A]TGCTGGTGCCAGAGGCCACAGGCAGGTGGGAGAGACGAGGTGGGCCAGTCTCAAAGGCCA-3'
Protein context (NP_060087.3, residues 2274-2294): SHLPVASGTS[Thr2284Ile]VLGSSSGGAL